The following is an entry in ClinVar:

NM_001365276.2(TNXB):c.7752C>T (p.Arg2584=)

Gene: TNXB (tenascin XB; minus strand). Cytogenetic location: 6p21.33.
Variant type: single nucleotide variant.
Coding change: c.7752C>T on transcript NM_001365276.2 (MANE Select); coding-DNA position 7752, C replaced by T.
Protein change: p.Arg2584=; no amino-acid change (arginine 2584 retained).
Molecular consequence: synonymous variant.
Genome position (GRCh38, 1-based): chr6:32,058,131, G>A on the plus strand (C>T on the coding strand, the complement: TNXB is on the minus strand). VCF-style: chr6-32058131-G-A. GRCh37 (hg19) VCF-style: chr6-32025908-G-A.
Other names: c.8493C>T, p.Arg2831= (NM_001428335.1); c.7752C>T, p.Arg2584= (NM_019105.8).
Identifiers: ClinVar variation 3971986 (VCV003971986.1).

ClinVar aggregate classification (germline): Uncertain significance (1 of 4 stars; one submission).

Conditions:
Cardiovascular phenotype. Identifiers: MedGen CN230736.

gnomAD v4.1: 2 of 1,612,686 alleles (0.00012%); highest among the groups gnomAD compares: Non-Finnish European, 0.00017%; no homozygotes.

Submission:

Ambry Genetics
Classification: Uncertain significance for Cardiovascular phenotype. Last evaluated: 2025-04-16. Review status: criteria provided, single submitter. Criteria: Ambry Variant Classification Scheme 2023. Collection method: clinical testing. Allele origin: germline.
Comment: The c.7752C>T variant (also known as p.R2584R), located in coding exon 21 of the TNXB gene, results from a C to T substitution at nucleotide position 7752. This nucleotide substitution does not change the amino acid at codon 2584. This nucleotide position is highly conserved in available vertebrate species. In silico splice site analysis for this alteration is inconclusive. Based on the available evidence, the clinical significance of this variant remains unclear.